The following is an entry in ClinVar:

NM_017999.5(RNF31):c.446T>A (p.Val149Asp)

Gene: RNF31 (ring finger protein 31; plus strand). Cytogenetic location: 14q12.
Variant type: single nucleotide variant.
Coding change: c.446T>A on transcript NM_017999.5 (MANE Select); coding-DNA position 446, T replaced by A.
Protein change: p.Val149Asp; replaces valine 149 with aspartic acid.
Molecular consequence: missense variant. On other transcripts: 5 prime UTR variant (1).
Genome position (GRCh38, 1-based): chr14:24,148,364, T>A. VCF-style: chr14-24148364-T-A. GRCh37 (hg19) VCF-style: chr14-24617573-T-A.
Other names: c.-72T>A (NM_001310332.2); short protein forms V149D.
Identifiers: ClinVar variation 1376165 (VCV001376165.6), dbSNP rs2139075475, ClinGen allele CA389287130.
Genomic context (GRCh38, chr14:24,148,364, plus strand): 5'-CAGATGGGTTGAGCTTCCCCGAAGGGCAGGAGGAGCCAGATGAGCACCAGGTTGCTACAG[T>A]CACACTGGAAGTACTGCTGCTTCGGACAGAGCTCAGCCTGCTATTGCAGGTGAGATGCTC-3'
Protein context (NP_060469.4, residues 139-159): EEPDEHQVAT[Val149Asp]TLEVLLLRTE

ClinVar aggregate classification (germline): Uncertain significance (1 of 4 stars; one submission).

gnomAD v4.1: 1 of 1,614,158 alleles (0.000062%); highest among the groups gnomAD compares: Non-Finnish European, 0.000085%; no homozygotes.

Submission:

Labcorp Genetics (formerly Invitae), Labcorp
Classification: Uncertain significance. Last evaluated: 2023-03-04. Review status: criteria provided, single submitter. Criteria: Invitae Variant Classification Sherloc (09022015). Collection method: clinical testing. Allele origin: germline.
Comment: This sequence change replaces valine, which is neutral and non-polar, with aspartic acid, which is acidic and polar, at codon 149 of the RNF31 protein (p.Val149Asp). This variant is not present in population databases (gnomAD no frequency). This variant has not been reported in the literature in individuals affected with RNF31-related conditions. ClinVar contains an entry for this variant (Variation ID: 1376165). An algorithm developed to predict the effect of missense changes on protein structure and function (PolyPhen-2) suggests that this variant is likely to be disruptive. In summary, the available evidence is currently insufficient to determine the role of this variant in disease. Therefore, it has been classified as a Variant of Uncertain Significance.